The following is an entry in ClinVar:

ClinVar aggregate classification (germline): Uncertain significance (1 of 4 stars; one submission).

Allele frequency attached by ClinVar (database versions not stated): gnomAD exomes below 0.00001.
gnomAD v4.1: 1 of 1,613,936 alleles (0.000062%); highest among the groups gnomAD compares: Non-Finnish European, 0.000085%; no homozygotes.

Submission:

Labcorp Genetics (formerly Invitae), Labcorp
Classification: Uncertain significance. Last evaluated: 2022-07-21. Review status: criteria provided, single submitter. Criteria: Invitae Variant Classification Sherloc (09022015). Collection method: clinical testing. Allele origin: germline.
Comment: This variant is not present in population databases (gnomAD no frequency). In summary, the available evidence is currently insufficient to determine the role of this variant in disease. Therefore, it has been classified as a Variant of Uncertain Significance. Advanced modeling of protein sequence and biophysical properties (such as structural, functional, and spatial information, amino acid conservation, physicochemical variation, residue mobility, and thermodynamic stability) performed at Invitae indicates that this missense variant is expected to disrupt MTOR protein function. This variant has not been reported in the literature in individuals affected with MTOR-related conditions. This sequence change replaces arginine, which is basic and polar, with histidine, which is basic and polar, at codon 731 of the MTOR protein (p.Arg731His).

NM_004958.4(MTOR):c.2192G>A (p.Arg731His)

Gene: MTOR (mechanistic target of rapamycin kinase; minus strand). Cytogenetic location: 1p36.22.
Variant type: single nucleotide variant.
Coding change: c.2192G>A on transcript NM_004958.4 (MANE Select); coding-DNA position 2192, G replaced by A.
Protein change: p.Arg731His; replaces arginine 731 with histidine.
Molecular consequence: missense variant.
Genome position (GRCh38, 1-based): chr1:11,237,859, C>T on the plus strand (G>A on the coding strand, the complement: MTOR is on the minus strand). VCF-style: chr1-11237859-C-T. GRCh37 (hg19) VCF-style: chr1-11297916-C-T.
Other names: c.2192G>A, p.Arg731His (NM_001386500.1); c.944G>A, p.Arg315His (NM_001386501.1); short protein forms R315H, R731H.
Identifiers: ClinVar variation 2007418 (VCV002007418.4), dbSNP rs2100898142, ClinGen allele CA338387017.
Genomic context (GRCh38, chr1:11,237,859, plus strand): 5'-GTCCTGTCTTCCCTGCCTGTGGGTCTGGCCATCACCTCGGTTACCTGGATGAGCATCTTG[C>T]GCAGGAAAGGCATGACAAAGGCAGGGTTCATGCTACTGAGTCGGCCCACAGTGCAGATGG-3'
Protein context (NP_004949.1, residues 721-741): MNPAFVMPFL[Arg731His]KMLIQILTEL